The following is an entry in ClinVar:

ClinVar aggregate classification (germline): Likely benign. Review status: criteria provided, multiple submitters, no conflicts (2 of 4 stars). 3 submissions from 3 submitters: Likely benign (3). Last evaluated 2025-11-24.

Conditions:
Autosomal recessive limb-girdle muscular dystrophy type 2J (LGMDR10). Also called: MUSCULAR DYSTROPHY, LIMB-GIRDLE, AUTOSOMAL RECESSIVE 10; Limb-girdle muscular dystrophy, type 2J. Identifiers: Orphanet 140922, MedGen C1837342, MONDO:0012127, OMIM 608807.
Dilated cardiomyopathy 1G (CMD1G). Identifiers: Orphanet 154, MedGen C1858763, MONDO:0011400, OMIM 604145.

Allele frequency attached by ClinVar (database versions not stated): TOPMed 0.00001.
gnomAD v4.1: 3 of 1,586,850 alleles (0.00019%); highest among the groups gnomAD compares: African/African-American, 0.0041%; no homozygotes.

Submissions (3):

Labcorp Genetics (formerly Invitae), Labcorp
Classification: Likely benign for Dilated cardiomyopathy 1G; Autosomal recessive limb-girdle muscular dystrophy type 2J. Last evaluated: 2025-11-24. Review status: criteria provided, single submitter. Criteria: Invitae Variant Classification Sherloc (09022015). Collection method: clinical testing. Allele origin: germline.

Women's Health and Genetics/Laboratory Corporation of America, LabCorp
Classification: Likely benign. Last evaluated: 2023-07-21. Review status: criteria provided, single submitter. Criteria: LabCorp Variant Classification Summary - May 2015. Collection method: clinical testing. Allele origin: germline.
Comment: Variant summary: TTN c.13451-5G>A alters a non-conserved nucleotide in the I-band region with a 20% PSI value. It is located close to a canonical splice site and therefore could affect mRNA splicing, leading to a significantly altered protein sequence. 1/3 computational tools predict no significant impact on normal splicing and 2/3 predict it strengthens the 3' acceptor site. However, these predictions have yet to be confirmed by functional studies. The variant was absent in 225954 control chromosomes. The available data on variant occurrences in the general population are insufficient to allow any conclusion about variant significance. To our knowledge, no occurrence of c.13451-5G>A in individuals affected with Limb-Girdle Muscular Dystrophy, Type 2J and no experimental evidence demonstrating its impact on protein function have been reported. Two submitters have cited clinical-significance assessments for this variant to ClinVar after 2014. All submitters classified the variant as likely benign. Based on the evidence outlined above, the variant was classified as likely benign.

GeneDx
Classification: Likely benign. Last evaluated: 2017-11-14. Review status: criteria provided, single submitter. Criteria: GeneDx Variant Classification (06012015). Collection method: clinical testing. Allele origin: germline. Affected: yes.
Comment: This variant is considered likely benign or benign based on one or more of the following criteria: it is a conservative change, it occurs at a poorly conserved position in the protein, it is predicted to be benign by multiple in silico algorithms, and/or has population frequency not consistent with disease.

NM_001267550.2(TTN):c.17183-5G>A

Genes: TTN (titin; minus strand), LOC126806431 (CDK7 strongly-dependent group 2 enhancer GRCh37_chr2:179595719-179596918; plus strand). Cytogenetic location: 2q31.2.
Variant type: single nucleotide variant.
Coding change: c.17183-5G>A on transcript NM_001267550.2 (MANE Select); 5 bases into the intron before coding-DNA position 17183, G replaced by A.
Molecular consequence: intron variant.
Genome position (GRCh38, 1-based): chr2:178,731,588, C>T on the plus strand (G>A on the coding strand, the complement: TTN is on the minus strand). VCF-style: chr2-178731588-C-T. GRCh37 (hg19) VCF-style: chr2-179596315-C-T.
Other names: c.13282+6494G>A (NM_003319.4); c.13858+6494G>A (NM_133437.4); c.13657+6494G>A (NM_133432.3); c.13451-5G>A (NM_133378.4); c.16232-5G>A (NM_001256850.1).
Identifiers: ClinVar variation 513464 (VCV000513464.10), dbSNP rs1553924621, ClinGen allele CA658796102.